The following is an entry in ClinVar:

NM_144670.6(A2ML1):c.1368C>T (p.His456=)

Gene: A2ML1 (alpha-2-macroglobulin like 1; plus strand). Cytogenetic location: 12p13.31.
Variant type: single nucleotide variant.
Coding change: c.1368C>T on transcript NM_144670.6 (MANE Select); coding-DNA position 1368, C replaced by T.
Protein change: p.His456=; no amino-acid change (histidine 456 retained).
Molecular consequence: synonymous variant.
Genome position (GRCh38, 1-based): chr12:8,843,253, C>T. VCF-style: chr12-8843253-C-T. GRCh37 (hg19) VCF-style: chr12-8995849-C-T.
Identifiers: ClinVar variation 241883 (VCV000241883.16), dbSNP rs200983183, ClinGen allele CA6435631.

ClinVar aggregate classification (germline): Benign/Likely benign. Review status: criteria provided, multiple submitters, no conflicts (2 of 4 stars). 5 submissions from 5 submitters: Benign (1); Likely benign (3). 1 of the submissions does not count toward it. Last evaluated 2025-11-20.

Conditions:
A2ML1-related disorder. Also called: A2ML1-related condition.

Allele frequency attached by ClinVar (database versions not stated): TOPMed 0.00016; gnomAD 0.00018 and 0.00019; 1000 Genomes Project 0.00020; ExAC 0.00024; ESP Exome Variant Server 0.00024; gnomAD exomes 0.00024 and 0.00025; 1000 Genomes Project 30x 0.00031.
gnomAD v4.1: 372 of 1,614,236 alleles (0.023%); highest among the groups gnomAD compares: Middle Eastern, 0.033%; 1 homozygote.

Submissions (5):

Labcorp Genetics (formerly Invitae), Labcorp
Classification: Likely benign. Last evaluated: 2025-11-20. Review status: criteria provided, single submitter. Criteria: Invitae Variant Classification Sherloc (09022015). Collection method: clinical testing. Allele origin: germline.

Ambry Genetics
Classification: Likely benign. Last evaluated: 2022-04-21. Review status: criteria provided, single submitter. Criteria: Ambry Variant Classification Scheme 2023. Collection method: clinical testing. Allele origin: germline.

GeneDx
Classification: Likely benign. Last evaluated: 2020-11-10. Review status: criteria provided, single submitter. Criteria: GeneDx Variant Classification Process June 2021. Collection method: clinical testing. Allele origin: germline. Affected: yes.

Women's Health and Genetics/Laboratory Corporation of America, LabCorp
Classification: Benign. Last evaluated: 2020-10-31. Review status: criteria provided, single submitter. Criteria: LabCorp Variant Classification Summary - May 2015. Collection method: clinical testing. Allele origin: germline.

PreventionGenetics, part of Exact Sciences
Classification: Likely benign for A2ML1-related condition. Last evaluated: 2020-03-09. Review status: no assertion criteria provided. Collection method: clinical testing. Allele origin: germline. Not counted in ClinVar's aggregate classification.
Comment: This variant is classified as likely benign based on ACMG/AMP sequence variant interpretation guidelines (Richards et al. 2015 PMID: 25741868, with internal and published modifications).